The following is an entry in ClinVar:

ClinVar aggregate classification (germline): Benign. Review status: criteria provided, multiple submitters, no conflicts (2 of 4 stars). 12 submissions from 12 submitters: Benign (9). 3 of the submissions do not count toward it. Last evaluated 2026-02-04.

Conditions:
Agenesis of the corpus callosum with peripheral neuropathy (ACCPN). Also called: HMSN/ACC; Hereditary Motor and Sensory Neuropathy with Agenesis of the Corpus Callosum; CHARLEVOIX DISEASE; POLYNEUROPATHY, SENSORIMOTOR, WITH OR WITHOUT AGENESIS OF THE CORPUS CALLOSUM. Identifiers: Orphanet 1496, MedGen C0795950, MONDO:0000902, OMIM 218000. Disease mechanism: loss of function.

Allele frequency attached by ClinVar (database versions not stated): gnomAD 0.16144; TOPMed 0.16649; 1000 Genomes Project 30x 0.20191; 1000 Genomes Project 0.20727; ESP Exome Variant Server 0.15602.
gnomAD v4.1: 282,925 of 1,599,874 alleles (18%); highest among the groups gnomAD compares: Middle Eastern, 28%; 25,941 homozygotes.

Submissions (12):

Labcorp Genetics (formerly Invitae), Labcorp
Classification: Benign. Last evaluated: 2026-02-04. Review status: criteria provided, single submitter. Criteria: Invitae Variant Classification Sherloc (09022015). Collection method: clinical testing. Allele origin: germline.

Genome-Nilou Lab
Classification: Benign for Agenesis of the corpus callosum with peripheral neuropathy. Last evaluated: 2021-07-10. Review status: criteria provided, single submitter. Criteria: ACMG Guidelines, 2015. Collection method: clinical testing. Allele origin: germline. Affected: no.

Women's Health and Genetics/Laboratory Corporation of America, LabCorp
Classification: Benign. Last evaluated: 2020-12-14. Review status: criteria provided, single submitter. Criteria: LabCorp Variant Classification Summary - May 2015. Collection method: clinical testing. Allele origin: germline.

Illumina Laboratory Services, Illumina
Classification: Benign for Agenesis of the corpus callosum with peripheral neuropathy. Last evaluated: 2018-01-12. Review status: criteria provided, single submitter. Criteria: ICSL Variant Classification Criteria 13 December 2019. Collection method: clinical testing. Allele origin: germline.
Comment: This variant was observed in the ICSL laboratory as part of a predisposition screen in an ostensibly healthy population. It had not been previously curated by ICSL or reported in the Human Gene Mutation Database (HGMD: prior to June 1st, 2018), and was therefore a candidate for classification through an automated scoring system. Utilizing variant allele frequency, disease prevalence and penetrance estimates, and inheritance mode, an automated score was calculated to assess if this variant is too frequent to cause the disease. Based on the score and internal cut-off values, a variant classified as benign is not then subjected to further curation. The score for this variant resulted in a classification of benign for this disease.

Mayo Clinic Laboratories, Mayo Clinic
Classification: Benign. Last evaluated: 2016-03-03. Review status: criteria provided, single submitter. Criteria: ACMG Guidelines, 2015. Collection method: clinical testing. Allele origin: germline. Observed: 756 variant alleles.

GeneDx
Classification: Benign. Last evaluated: 2014-02-28. Review status: criteria provided, single submitter. Criteria: GeneDx Variant Classification (06012015). Collection method: clinical testing. Allele origin: germline. Affected: yes.
Comment: This variant is considered likely benign or benign based on one or more of the following criteria: it is a conservative change, it occurs at a poorly conserved position in the protein, it is predicted to be benign by multiple in silico algorithms, and/or has population frequency not consistent with disease.

Genetic Services Laboratory, University of Chicago
Classification: Benign. Last evaluated: 2013-02-08. Review status: criteria provided, single submitter. Criteria: ACMG Guidelines, 2007. Collection method: clinical testing. Allele origin: germline. Inheritance: Autosomal recessive inheritance.

Breakthrough Genomics
Classification: Benign. Review status: criteria provided, single submitter. Criteria: ACMG Guidelines, 2015. Collection method: not provided. Allele origin: germline. Inheritance: Autosomal recessive inheritance. Affected: yes.

PreventionGenetics, part of Exact Sciences
Classification: Benign. Review status: criteria provided, single submitter. Criteria: ACMG Guidelines, 2015. Collection method: clinical testing. Allele origin: germline.

Natera, Inc.
Classification: Benign for Andermann syndrome. Last evaluated: 2020-09-16. Review status: no assertion criteria provided. Collection method: clinical testing. Allele origin: germline. Not counted in ClinVar's aggregate classification.

Clinical Genetics, Academic Medical Center
Classification: Benign. Review status: no assertion criteria provided. Collection method: clinical testing. Allele origin: germline. Affected: yes. Study: VKGL Data-share Consensus. Not counted in ClinVar's aggregate classification.

Diagnostic Laboratory, Department of Genetics, University Medical Center Groningen
Classification: Benign for Agenesis of the corpus callosum with peripheral neuropathy. Review status: no assertion criteria provided. Collection method: clinical testing. Allele origin: germline. Affected: yes. Study: VKGL Data-share Consensus. Not counted in ClinVar's aggregate classification.

NM_001365088.1(SLC12A6):c.1551G>C (p.Pro517=)

Gene: SLC12A6 (solute carrier family 12 member 6; minus strand). Cytogenetic location: 15q14.
Variant type: single nucleotide variant.
Coding change: c.1551G>C on transcript NM_001365088.1 (MANE Select); coding-DNA position 1551, G replaced by C.
Protein change: p.Pro517=; no amino-acid change (proline 517 retained).
Molecular consequence: synonymous variant.
Genome position (GRCh38, 1-based): chr15:34,250,671, C>G on the plus strand (G>C on the coding strand, the complement: SLC12A6 is on the minus strand). VCF-style: chr15-34250671-C-G. GRCh37 (hg19) VCF-style: chr15-34542872-C-G.
Other names: p.P517P:CCG>CCC; p.Pro517=; c.1374G>C, p.Pro458= (NM_001042494.2, NM_001042495.2); c.1524G>C, p.Pro508= (NM_001042496.2); c.1506G>C, p.Pro502= (NM_001042497.2); c.1398G>C, p.Pro466= (NM_005135.2); c.1551G>C, p.Pro517= (NM_133647.2).
Identifiers: ClinVar variation 139121 (VCV000139121.26), dbSNP rs17236798, ClinGen allele CA173429.